The following is an entry in ClinVar:

NM_032273.4(TMEM126A):c.278C>T (p.Thr93Ile)

Gene: TMEM126A (transmembrane protein 126A; plus strand). Cytogenetic location: 11q14.1.
Variant type: single nucleotide variant.
Coding change: c.278C>T on transcript NM_032273.4 (MANE Select); coding-DNA position 278, C replaced by T.
Protein change: p.Thr93Ile; replaces threonine 93 with isoleucine.
Molecular consequence: missense variant.
Genome position (GRCh38, 1-based): chr11:85,654,254, C>T. VCF-style: chr11-85654254-C-T. GRCh37 (hg19) VCF-style: chr11-85365298-C-T.
Other names: c.68C>T, p.Thr23Ile (NM_001244735.2); short protein forms T23I, T93I.
Identifiers: ClinVar variation 2112438 (VCV002112438.4), dbSNP rs1591465112, ClinGen allele CA381996577.

ClinVar aggregate classification (germline): Uncertain significance (1 of 4 stars; one submission).

Allele frequency attached by ClinVar (database versions not stated): TOPMed below 0.00001.

Submission:

Labcorp Genetics (formerly Invitae), Labcorp
Classification: Uncertain significance. Last evaluated: 2022-03-15. Review status: criteria provided, single submitter. Criteria: Invitae Variant Classification Sherloc (09022015). Collection method: clinical testing. Allele origin: germline.
Comment: In summary, the available evidence is currently insufficient to determine the role of this variant in disease. Therefore, it has been classified as a Variant of Uncertain Significance. Algorithms developed to predict the effect of sequence changes on RNA splicing suggest that this variant may disrupt the consensus splice site. Algorithms developed to predict the effect of missense changes on protein structure and function are either unavailable or do not agree on the potential impact of this missense change (SIFT: "Tolerated"; PolyPhen-2: "Possibly Damaging"; Align-GVGD: "Class C0"). This variant has not been reported in the literature in individuals affected with TMEM126A-related conditions. This variant is not present in population databases (gnomAD no frequency). This sequence change replaces threonine, which is neutral and polar, with isoleucine, which is neutral and non-polar, at codon 93 of the TMEM126A protein (p.Thr93Ile).